The following is an entry in ClinVar:

ClinVar aggregate classification (germline): Uncertain significance (1 of 4 stars; one submission).

Conditions:
Neuroblastoma, susceptibility to, 3. Also called: ALK-Related Neuroblastic Tumor Susceptibility. Identifiers: Orphanet 635, MedGen C2751681, MONDO:0013083, OMIM 613014.

Submission:

Labcorp Genetics (formerly Invitae), Labcorp
Classification: Uncertain significance for Neuroblastoma, susceptibility to, 3. Last evaluated: 2021-09-04. Review status: criteria provided, single submitter. Criteria: Invitae Variant Classification Sherloc (09022015). Collection method: clinical testing. Allele origin: germline.
Comment: This variant has not been reported in the literature in individuals affected with ALK-related conditions. In summary, the available evidence is currently insufficient to determine the role of this variant in disease. Therefore, it has been classified as a Variant of Uncertain Significance. Experimental studies and prediction algorithms are not available or were not evaluated, and the functional significance of this variant is currently unknown. This variant results in a copy number gain of the genomic region encompassing exon(s) 4-26 of the ALK gene. While the exact position of this variant cannot be determined from the data, sub-genic copy number gains are generally in tandem (PMID: 25640679). This variant is predicted to be out-of-frame, and may result in an absent or disrupted protein product. However, the current clinical and genetic evidence is not sufficient to establish whether loss-of-function variants in ALK cause disease.

Literature cited by the submitters: PubMed 25640679.

NC_000002.11:g.(?_29430027)_(29754992_?)dup

Gene: ALK (ALK receptor tyrosine kinase; minus strand). Cytogenetic location: 2p23.2.
Variant type: Duplication.
Identifiers: ClinVar variation 1450333 (VCV001450333.4).